The following is an entry in ClinVar:

NM_198253.3(TERT):c.1384T>A (p.Tyr462Asn)

Gene: TERT (telomerase reverse transcriptase; minus strand). Cytogenetic location: 5p15.33.
Variant type: single nucleotide variant.
Coding change: c.1384T>A on transcript NM_198253.3 (MANE Select); coding-DNA position 1384, T replaced by A.
Protein change: p.Tyr462Asn; replaces tyrosine 462 with asparagine.
Molecular consequence: missense variant. On other transcripts: non-coding transcript variant (2).
Genome position (GRCh38, 1-based): chr5:1,293,502, A>T on the plus strand (T>A on the coding strand, the complement: TERT is on the minus strand). VCF-style: chr5-1293502-A-T. GRCh37 (hg19) VCF-style: chr5-1293617-A-T.
Other names: c.1384T>A, p.Tyr462Asn (NM_001193376.3, NM_003219.1); short protein forms Y462N.
Identifiers: ClinVar variation 3238505 (VCV003238505.1), dbSNP rs2478410490.

ClinVar aggregate classification (germline): Uncertain significance (1 of 4 stars; one submission).

Conditions:
Dyskeratosis congenita. Identifiers: Orphanet 1775, MedGen C0265965, MONDO:0015780.

Submission:

Ambry Genetics
Classification: Uncertain significance for Dyskeratosis congenita. Last evaluated: 2024-01-29. Review status: criteria provided, single submitter. Criteria: Ambry Variant Classification Scheme 2023. Collection method: clinical testing. Allele origin: germline.
Comment: The p.Y462N variant (also known as c.1384T>A), located in coding exon 2 of the TERT gene, results from a T to A substitution at nucleotide position 1384. The tyrosine at codon 462 is replaced by asparagine, an amino acid with dissimilar properties. This amino acid position is conserved. In addition, the in silico prediction for this alteration is inconclusive. Based on the available evidence, the clinical significance of this alteration remains unclear.